The following is an entry in ClinVar:

NM_138927.4(SON):c.221A>G (p.Asp74Gly)

Gene: SON (SON DNA and RNA binding protein; plus strand). Cytogenetic location: 21q22.11.
Variant type: single nucleotide variant.
Coding change: c.221A>G on transcript NM_138927.4 (MANE Select); coding-DNA position 221, A replaced by G.
Protein change: p.Asp74Gly; replaces aspartic acid 74 with glycine.
Molecular consequence: missense variant. On other transcripts: non-coding transcript variant (1).
Genome position (GRCh38, 1-based): chr21:33,546,356, A>G. VCF-style: chr21-33546356-A-G. GRCh37 (hg19) VCF-style: chr21-34918662-A-G.
Other names: c.221A>G, p.Asp74Gly (NM_001291411.2, NM_001291412.3, NM_001412132.1 and 4 more transcripts); short protein forms D74G.
Identifiers: ClinVar variation 2840972 (VCV002840972.3), dbSNP rs2517327203, ClinGen allele CA410149504.
Genomic context (GRCh38, chr21:33,546,356, plus strand): 5'-GGAGTCTACCAAATGAAGAAATAGTGCAGAAGATAGAGGAAGTACTTTCTGGGGTCTTAG[A>G]TACAGAACTACGATATAAGCCAGGTAAGTTGGAGATAATTAACTGTCTCAAAAATTTTCT-3'
Protein context (NP_620305.3, residues 64-84): KIEEVLSGVL[Asp74Gly]TELRYKPDLK

ClinVar aggregate classification (germline): Uncertain significance (1 of 4 stars; one submission).

Submission:

Labcorp Genetics (formerly Invitae), Labcorp
Classification: Uncertain significance. Last evaluated: 2023-02-26. Review status: criteria provided, single submitter. Criteria: Invitae Variant Classification Sherloc (09022015). Collection method: clinical testing. Allele origin: germline.
Comment: In summary, the available evidence is currently insufficient to determine the role of this variant in disease. Therefore, it has been classified as a Variant of Uncertain Significance. An algorithm developed to predict the effect of missense changes on protein structure and function (PolyPhen-2) suggests that this variant is likely to be disruptive. This variant has not been reported in the literature in individuals affected with SON-related conditions. This variant is not present in population databases (gnomAD no frequency). This sequence change replaces aspartic acid, which is acidic and polar, with glycine, which is neutral and non-polar, at codon 74 of the SON protein (p.Asp74Gly).